The following is an entry in ClinVar:

ClinVar aggregate classification (germline): Uncertain significance. Review status: criteria provided, multiple submitters, no conflicts (2 of 4 stars). 2 submissions from 2 submitters: Uncertain significance (2). Last evaluated 2022-08-06.

Conditions:
Inborn genetic diseases. Identifiers: MedGen C0950123, MeSH D030342.

Allele frequency attached by ClinVar (database versions not stated): TOPMed 0.00001; gnomAD 0.00002; ExAC 0.00004; ESP Exome Variant Server 0.00008; gnomAD exomes 0.00010.
gnomAD v4.1: 143 of 1,608,322 alleles (0.0089%); highest among the groups gnomAD compares: Non-Finnish European, 0.012%; no homozygotes.

Submissions (2):

Labcorp Genetics (formerly Invitae), Labcorp
Classification: Uncertain significance. Last evaluated: 2022-08-06. Review status: criteria provided, single submitter. Criteria: Invitae Variant Classification Sherloc (09022015). Collection method: clinical testing. Allele origin: germline.
Comment: This sequence change replaces leucine, which is neutral and non-polar, with valine, which is neutral and non-polar, at codon 243 of the PYROXD1 protein (p.Leu243Val). This variant is present in population databases (rs371794278, gnomAD 0.01%). This variant has not been reported in the literature in individuals affected with PYROXD1-related conditions. Algorithms developed to predict the effect of missense changes on protein structure and function (SIFT, PolyPhen-2, Align-GVGD) all suggest that this variant is likely to be tolerated. In summary, the available evidence is currently insufficient to determine the role of this variant in disease. Therefore, it has been classified as a Variant of Uncertain Significance.

Ambry Genetics
Classification: Uncertain significance for Inborn genetic diseases. Last evaluated: 2021-10-29. Review status: criteria provided, single submitter. Criteria: Ambry Variant Classification Scheme 2023. Collection method: clinical testing. Allele origin: germline.

NM_024854.5(PYROXD1):c.727T>G (p.Leu243Val)

Gene: PYROXD1 (pyridine nucleotide-disulphide oxidoreductase domain 1; plus strand). Cytogenetic location: 12p12.1.
Variant type: single nucleotide variant.
Coding change: c.727T>G on transcript NM_024854.5 (MANE Select); coding-DNA position 727, T replaced by G.
Protein change: p.Leu243Val; replaces leucine 243 with valine.
Molecular consequence: missense variant. On other transcripts: 5 prime UTR variant (1).
Genome position (GRCh38, 1-based): chr12:21,456,072, T>G. VCF-style: chr12-21456072-T-G. GRCh37 (hg19) VCF-style: chr12-21609006-T-G.
Other names: c.514T>G, p.Leu172Val (NM_001350912.2); c.-51T>G (NM_001350913.2); c.727T>G (NM_024854.3); short protein forms L172V, L243V.
Identifiers: ClinVar variation 2372246 (VCV002372246.4), dbSNP rs371794278, ClinGen allele CA6478306.
Genomic context (GRCh38, chr12:21,456,072, plus strand): 5'-AGAAGCAAATCTAAAGCAGATAATGTAGGAAGTGCATTGGGACCAGATTGGCATGAAGGC[T>G]TGAATCTTAAAGGAACAAAAGAGGTATCTTTTCATATACTAATTGGTCATGTCTAAATGT-3'
Protein context (NP_079130.2, residues 233-253): SALGPDWHEG[Leu243Val]NLKGTKEFSH